The following is an entry in ClinVar:

NM_001369268.1(ACAN):c.134C>A (p.Thr45Asn)

Gene: ACAN (aggrecan; plus strand). Cytogenetic location: 15q26.1.
Variant type: single nucleotide variant.
Coding change: c.134C>A on transcript NM_001369268.1 (MANE Select); coding-DNA position 134, C replaced by A.
Protein change: p.Thr45Asn; replaces threonine 45 with asparagine.
Molecular consequence: missense variant.
Genome position (GRCh38, 1-based): chr15:88,838,726, C>A. VCF-style: chr15-88838726-C-A. GRCh37 (hg19) VCF-style: chr15-89381957-C-A.
Other names: c.134C>A, p.Thr45Asn (NM_001135.4, NM_001411096.1, NM_001411097.1 and 1 more transcripts); short protein forms T45N.
Identifiers: ClinVar variation 2144748 (VCV002144748.5), dbSNP rs759354442, ClinGen allele CA7719152.
Genomic context (GRCh38, chr15:88,838,726, plus strand): 5'-ATGACAACTCGCTGAGTGTCAGCATCCCCCAACCGTCCCCGCTGAGGGTCCTCCTGGGGA[C>A]CTCCCTCACCATCCCCTGCTATTTCATCGACCCCATGCACCCTGTGACCACCGCCCCTTC-3'
Protein context (NP_001356197.1, residues 35-55): QPSPLRVLLG[Thr45Asn]SLTIPCYFID

ClinVar aggregate classification (germline): Uncertain significance. Review status: criteria provided, multiple submitters, no conflicts (2 of 4 stars). 2 submissions from 2 submitters: Uncertain significance (2). Last evaluated 2025-05-05.

Allele frequency attached by ClinVar (database versions not stated): gnomAD 0.00002; ExAC 0.00003; TOPMed 0.00003.
gnomAD v4.1: 46 of 1,611,526 alleles (0.0029%); highest among the groups gnomAD compares: Admixed American, 0.012%; no homozygotes.

Submissions (2):

Labcorp Genetics (formerly Invitae), Labcorp
Classification: Uncertain significance. Last evaluated: 2025-05-05. Review status: criteria provided, single submitter. Criteria: Invitae Variant Classification Sherloc (09022015). Collection method: clinical testing. Allele origin: germline.
Comment: This sequence change replaces threonine, which is neutral and polar, with asparagine, which is neutral and polar, at codon 45 of the ACAN protein (p.Thr45Asn). This variant is present in population databases (rs759354442, gnomAD 0.01%). This variant has not been reported in the literature in individuals affected with ACAN-related conditions. ClinVar contains an entry for this variant (Variation ID: 2144748). Invitae Evidence Modeling of protein sequence and biophysical properties (such as structural, functional, and spatial information, amino acid conservation, physicochemical variation, residue mobility, and thermodynamic stability) indicates that this missense variant is not expected to disrupt ACAN protein function with a negative predictive value of 80%. In summary, the available evidence is currently insufficient to determine the role of this variant in disease. Therefore, it has been classified as a Variant of Uncertain Significance.

Blueprint Genetics
Classification: Uncertain significance. Last evaluated: 2022-02-08. Review status: criteria provided, single submitter. Criteria: ACMG Guidelines, 2015. Collection method: clinical testing. Allele origin: germline.